The following is an entry in ClinVar:

ClinVar aggregate classification (germline): Uncertain significance. Review status: criteria provided, multiple submitters, no conflicts (2 of 4 stars). 2 submissions from 2 submitters: Uncertain significance (2). Last evaluated 2025-09-10.

Allele frequency attached by ClinVar (database versions not stated): gnomAD exomes 0.00001; ExAC 0.00006; TOPMed 0.00006; gnomAD 0.00007; 1000 Genomes Project 30x 0.00016; 1000 Genomes Project 0.00020; ESP Exome Variant Server 0.00024.

Submissions (2):

Ambry Genetics
Classification: Uncertain significance. Last evaluated: 2025-09-10. Review status: criteria provided, single submitter. Criteria: Ambry Variant Classification Scheme 2023. Collection method: clinical testing. Allele origin: germline.

Labcorp Genetics (formerly Invitae), Labcorp
Classification: Uncertain significance. Last evaluated: 2022-05-29. Review status: criteria provided, single submitter. Criteria: Invitae Variant Classification Sherloc (09022015). Collection method: clinical testing. Allele origin: germline.
Comment: This sequence change replaces histidine, which is basic and polar, with arginine, which is basic and polar, at codon 90 of the SLC39A7 protein (p.His90Arg). This variant is present in population databases (rs375557149, gnomAD 0.01%). This variant has not been reported in the literature in individuals affected with SLC39A7-related conditions. Algorithms developed to predict the effect of missense changes on protein structure and function are either unavailable or do not agree on the potential impact of this missense change (SIFT: "Tolerated"; PolyPhen-2: "Not Available"; Align-GVGD: "Class C0"). In summary, the available evidence is currently insufficient to determine the role of this variant in disease. Therefore, it has been classified as a Variant of Uncertain Significance.

NM_006979.3(SLC39A7):c.269A>G (p.His90Arg)

Gene: SLC39A7 (solute carrier family 39 member 7; plus strand). Cytogenetic location: 6p21.32.
Variant type: single nucleotide variant.
Coding change: c.269A>G on transcript NM_006979.3 (MANE Select); coding-DNA position 269, A replaced by G.
Protein change: p.His90Arg; replaces histidine 90 with arginine.
Molecular consequence: missense variant. On other transcripts: intron variant (1).
Genome position (GRCh38, 1-based): chr6:33,201,514, A>G. VCF-style: chr6-33201514-A-G. GRCh37 (hg19) VCF-style: chr6-33169291-A-G.
Other names: c.269A>G (NM_006979.2); c.269A>G, p.His90Arg (NM_001077516.2); c.52+126A>G (NM_001288777.2); short protein forms H90R.
Identifiers: ClinVar variation 2055409 (VCV002055409.4), dbSNP rs375557149, ClinGen allele CA3752225.